The following is an entry in ClinVar:

ClinVar aggregate classification (germline): Likely benign. Review status: criteria provided, multiple submitters, no conflicts (2 of 4 stars). 2 submissions from 2 submitters: Likely benign (2). Last evaluated 2026-06-25.

Conditions:
TTLL5-related disorder. Also called: TTLL5-related condition.

Allele frequency attached by ClinVar (database versions not stated): gnomAD exomes 0.00001; ExAC 0.00002; 1000 Genomes Project 30x 0.00016; 1000 Genomes Project 0.00020.
gnomAD v4.1: 4 of 1,614,044 alleles (0.00025%); highest among the groups gnomAD compares: Admixed American, 0.0067%; no homozygotes.

Submissions (2):

PreventionGenetics, part of Exact Sciences
Classification: Likely benign for TTLL5-related condition. Last evaluated: 2026-06-25. Review status: criteria provided, single submitter. Criteria: ACMG Guidelines, 2015. Collection method: clinical testing. Allele origin: germline.
Comment: This variant is classified as likely benign based on ACMG/AMP sequence variant interpretation guidelines (Richards et al. 2015 PMID: 25741868, with internal and published modifications).

Labcorp Genetics (formerly Invitae), Labcorp
Classification: Likely benign. Last evaluated: 2023-11-24. Review status: criteria provided, single submitter. Criteria: Invitae Variant Classification Sherloc (09022015). Collection method: clinical testing. Allele origin: germline.

NM_015072.5(TTLL5):c.342T>G (p.Ser114=)

Gene: TTLL5 (tubulin tyrosine ligase like 5; plus strand). Cytogenetic location: 14q24.3.
Variant type: single nucleotide variant.
Coding change: c.342T>G on transcript NM_015072.5 (MANE Select); coding-DNA position 342, T replaced by G.
Protein change: p.Ser114=; no amino-acid change (serine 114 retained).
Molecular consequence: synonymous variant.
Genome position (GRCh38, 1-based): chr14:75,683,627, T>G. VCF-style: chr14-75683627-T-G. GRCh37 (hg19) VCF-style: chr14-76149970-T-G.
Other names: c.342T>G (NM_015072.4).
Identifiers: ClinVar variation 2980052 (VCV002980052.4), dbSNP rs567269087, ClinGen allele CA7278891.